The following is an entry in ClinVar:

NM_020791.4(TAOK1):c.2484T>C (p.Asp828=)

Gene: TAOK1 (TAO kinase 1; plus strand). Cytogenetic location: 17q11.2.
Variant type: single nucleotide variant.
Coding change: c.2484T>C on transcript NM_020791.4 (MANE Select); coding-DNA position 2484, T replaced by C.
Protein change: p.Asp828=; no amino-acid change (aspartic acid 828 retained).
Molecular consequence: synonymous variant.
Genome position (GRCh38, 1-based): chr17:29,534,240, T>C. VCF-style: chr17-29534240-T-C. GRCh37 (hg19) VCF-style: chr17-27861258-T-C.
Other names: c.2040T>C, p.Asp680= (NM_025142.1).
Identifiers: ClinVar variation 4822050 (VCV004822050.4).

ClinVar aggregate classification (germline): Likely benign (1 of 4 stars; one submission).

gnomAD v4.1: 331 of 1,613,020 alleles (0.021%); highest among the groups gnomAD compares: Non-Finnish European, 0.026%; no homozygotes.

Submission:

CeGaT Center for Human Genetics Tuebingen
Classification: Likely benign. Last evaluated: 2026-04-01. Review status: criteria provided, single submitter. Criteria: CeGaT Center For Human Genetics Tuebingen Variant Classification Criteria Version 2. Collection method: clinical testing. Allele origin: germline. Affected: yes. Observed: 2 variant alleles.
Comment: TAOK1: BP4, BP7